The following is an entry in ClinVar:

ClinVar aggregate classification (germline): Uncertain significance (1 of 4 stars; one submission).

Submission:

Labcorp Genetics (formerly Invitae), Labcorp
Classification: Uncertain significance. Last evaluated: 2022-10-17. Review status: criteria provided, single submitter. Criteria: Invitae Variant Classification Sherloc (09022015). Collection method: clinical testing. Allele origin: germline.
Comment: In summary, the available evidence is currently insufficient to determine the role of this variant in disease. Therefore, it has been classified as a Variant of Uncertain Significance. Advanced modeling of protein sequence and biophysical properties (such as structural, functional, and spatial information, amino acid conservation, physicochemical variation, residue mobility, and thermodynamic stability) performed at Invitae indicates that this missense variant is expected to disrupt DOCK6 protein function. This variant has not been reported in the literature in individuals affected with DOCK6-related conditions. This variant is not present in population databases (gnomAD no frequency). This sequence change replaces arginine, which is basic and polar, with leucine, which is neutral and non-polar, at codon 698 of the DOCK6 protein (p.Arg698Leu).

NM_020812.4(DOCK6):c.2093G>T (p.Arg698Leu)

Gene: DOCK6 (dedicator of cytokinesis 6; minus strand). Cytogenetic location: 19p13.2.
Variant type: single nucleotide variant.
Coding change: c.2093G>T on transcript NM_020812.4 (MANE Select); coding-DNA position 2093, G replaced by T.
Protein change: p.Arg698Leu; replaces arginine 698 with leucine.
Molecular consequence: missense variant.
Genome position (GRCh38, 1-based): chr19:11,236,860, C>A on the plus strand (G>T on the coding strand, the complement: DOCK6 is on the minus strand). VCF-style: chr19-11236860-C-A. GRCh37 (hg19) VCF-style: chr19-11347536-C-A.
Other names: c.2093G>T, p.Arg698Leu (NM_001367830.1); short protein forms R698L.
Identifiers: ClinVar variation 1999675 (VCV001999675.4), dbSNP rs758660476, ClinGen allele CA404100596.